The following is an entry in ClinVar:

NM_017999.5(RNF31):c.2063G>A (p.Arg688Gln)

Gene: RNF31 (ring finger protein 31; plus strand). Cytogenetic location: 14q12.
Variant type: single nucleotide variant.
Coding change: c.2063G>A on transcript NM_017999.5 (MANE Select); coding-DNA position 2063, G replaced by A.
Protein change: p.Arg688Gln; replaces arginine 688 with glutamine.
Molecular consequence: missense variant.
Genome position (GRCh38, 1-based): chr14:24,151,925, G>A. VCF-style: chr14-24151925-G-A. GRCh37 (hg19) VCF-style: chr14-24621134-G-A.
Other names: c.1610G>A, p.Arg537Gln (NM_001310332.2); short protein forms R537Q, R688Q.
Identifiers: ClinVar variation 4760903 (VCV004760903.1).
Genomic context (GRCh38, chr14:24,151,925, plus strand): 5'-AGACACCCAGGAACTATGAGTTGGGGGATGTGGTAGAAGCTGTGAGGCACAGCCAGGACC[G>A]GGCCTTCCTGCGCCGCTTGCTTGCCCAGGAGTGTGCCGTGTGTGGCTGGGCCCTGCCCCA-3'
Protein context (NP_060469.4, residues 678-698): VVEAVRHSQD[Arg688Gln]AFLRRLLAQE

ClinVar aggregate classification (germline): Uncertain significance (1 of 4 stars; one submission).

Submission:

Labcorp Genetics (formerly Invitae), Labcorp
Classification: Uncertain significance. Last evaluated: 2025-08-23. Review status: criteria provided, single submitter. Criteria: Invitae Variant Classification Sherloc (09022015). Collection method: clinical testing. Allele origin: germline.
Comment: This sequence change replaces arginine, which is basic and polar, with glutamine, which is neutral and polar, at codon 688 of the RNF31 protein (p.Arg688Gln). This variant is present in population databases (rs758477463, gnomAD 0.02%). This variant has not been reported in the literature in individuals affected with RNF31-related conditions. An algorithm developed to predict the effect of missense changes on protein structure and function (PolyPhen-2) suggests that this variant is likely to be disruptive. In summary, the available evidence is currently insufficient to determine the role of this variant in disease. Therefore, it has been classified as a Variant of Uncertain Significance.